The following is an entry in ClinVar:

NM_001267550.2(TTN):c.8512del (p.Asp2838fs)

Gene: TTN (titin; minus strand). Cytogenetic location: 2q31.2.
Variant type: Deletion.
Coding change: c.8512del on transcript NM_001267550.2 (MANE Select); coding-DNA position 8512, one base deleted (G; older notation c.8512delG).
Protein change: p.Asp2838fs; shifts the reading frame from aspartic acid 2838.
Molecular consequence: frameshift variant.
Genome position (GRCh38, 1-based): chr2:178,770,189, C deleted on the plus strand (G on the coding strand, the reverse complement: TTN is on the minus strand). VCF-style (leftmost placement, unchanged base first): chr2-178770188-TC-T. GRCh37 (hg19) VCF-style: chr2-179634915-TC-T.
Other names: c.8512del, p.Asp2838fs (NM_001256850.1, NM_133378.4, NM_133379.5); c.8374del, p.Asp2792fs (NM_003319.4, NM_133432.3, NM_133437.4); c.8512delG (NM_001256850.1); short protein forms D2792fs, D2838fs.
Identifiers: ClinVar variation 430148 (VCV000430148.2), dbSNP rs1131691802, ClinGen allele CA645369280.

ClinVar aggregate classification (germline): Uncertain significance (1 of 4 stars; one submission).

Submission:

GeneDx
Classification: Uncertain significance. Last evaluated: 2018-01-05. Review status: criteria provided, single submitter. Criteria: GeneDx Variant Classification (06012015). Collection method: clinical testing. Allele origin: germline. Affected: yes.
Comment: The c.8512delG variant in the TTN gene has not been reported previously as a pathogenic variant or as a benign variant, to our knowledge. This variant causes a shift in reading frame starting at codon aspartic acid 2838, changing it to a threonine, and creating a premature stop codon at position 14 of the new reading frame, denoted p.Asp2838ThrfsX14. This variant is expected to result in either an abnormal, truncated protein product or loss of protein from this allele through nonsense-mediated mRNA decay. However, other truncating TTN variants have been reported in approximately 3% of control alleles and the c.8512delG variant is not located in the A-band region of titin, where the majority of truncating pathogenic variants associated with DCM have been reported (Herman et al., 2012).